The following is an entry in ClinVar:

ClinVar aggregate classification (germline): Benign/Likely benign. Review status: criteria provided, multiple submitters, no conflicts (2 of 4 stars). 15 submissions from 15 submitters: Benign (8); Likely benign (3). 4 of the submissions do not count toward it. Last evaluated 2025-11-10.

Conditions:
Hereditary cancer-predisposing syndrome. Also called: Tumor predisposition; Hereditary neoplastic syndrome; Neoplastic Syndromes, Hereditary; Hereditary Cancer Syndrome. Identifiers: Orphanet 140162, MedGen C0027672, MeSH D009386, MONDO:0015356.
Lynch syndrome 8 (LYNCH8). Also called: Colorectal cancer, hereditary nonpolyposis, type 8. Identifiers: Orphanet 144, MedGen C2750471, MONDO:0013196, OMIM 613244.

Allele frequency attached by ClinVar (database versions not stated): 1000 Genomes Project 0.01018; 1000 Genomes Project 30x 0.01031; TOPMed 0.02026; ESP Exome Variant Server 0.02414; gnomAD exomes 0.02483 and 0.03080; ExAC 0.02511; gnomAD 0.02826.
gnomAD v4.1: 47,858 of 1,592,016 alleles (3%); highest among the groups gnomAD compares: Non-Finnish European, 3.5%; 908 homozygotes.

Submissions (15):

Labcorp Genetics (formerly Invitae), Labcorp
Classification: Benign. Last evaluated: 2025-11-10. Review status: criteria provided, single submitter. Criteria: Invitae Variant Classification Sherloc (09022015). Collection method: clinical testing. Allele origin: germline.

Center for Genomic Medicine, Rigshospitalet, Copenhagen University Hospital
Classification: Benign. Last evaluated: 2025-03-04. Review status: criteria provided, single submitter. Criteria: ACMG Guidelines, 2015. Collection method: clinical testing. Allele origin: germline.

Blueprint Genetics
Classification: Likely benign. Last evaluated: 2024-11-26. Review status: criteria provided, single submitter. Criteria: ACMG Guidelines, 2015. Collection method: clinical testing. Allele origin: germline.

Mayo Clinic Laboratories, Mayo Clinic
Classification: Benign. Last evaluated: 2023-08-22. Review status: criteria provided, single submitter. Criteria: ACMG Guidelines, 2015. Collection method: clinical testing. Allele origin: germline. Observed: 6 variant alleles.
Comment: BA1, BS2

KCCC/NGS Laboratory, Kuwait Cancer Control Center
Classification: Benign for Lynch syndrome 8. Last evaluated: 2023-07-07. Review status: criteria provided, single submitter. Criteria: ACMG Guidelines, 2015. Collection method: clinical testing. Allele origin: germline. Affected: yes.

Sema4
Classification: Benign for Hereditary cancer-predisposing syndrome. Last evaluated: 2020-02-24. Review status: criteria provided, single submitter. Criteria: Sema4 Curation Guidelines. Collection method: curation. Allele origin: germline.

Vantari Genetics
Classification: Benign for Hereditary cancer-predisposing syndrome. Last evaluated: 2015-12-01. Review status: criteria provided, single submitter. Criteria: ACMG Guidelines, 2015. Collection method: clinical testing. Allele origin: germline.

GeneDx
Classification: Benign. Last evaluated: 2015-03-03. Review status: criteria provided, single submitter. Criteria: GeneDx Variant Classification Process June 2021. Collection method: clinical testing. Allele origin: germline. Affected: yes.
Comment: This variant is associated with the following publications: (PMID: 30461124)

Ambry Genetics
Classification: Likely benign for Hereditary cancer-predisposing syndrome. Last evaluated: 2013-01-08. Review status: criteria provided, single submitter. Criteria: Ambry Autosomal Dominant and X-Linked criteria (10/2015). Collection method: clinical testing. Allele origin: germline. Observed: 1 variant allele.

Breakthrough Genomics
Classification: Likely benign. Review status: criteria provided, single submitter. Criteria: ACMG Guidelines, 2015. Collection method: not provided. Allele origin: germline. Inheritance: Autosomal recessive inheritance. Affected: yes.

PreventionGenetics, part of Exact Sciences
Classification: Benign. Review status: criteria provided, single submitter. Criteria: ACMG Guidelines, 2015. Collection method: clinical testing. Allele origin: germline.

True Health Diagnostics
Classification: Likely benign for Hereditary cancer-predisposing syndrome. Last evaluated: 2017-11-27. Review status: no assertion criteria provided. Collection method: clinical testing. Allele origin: germline. Not counted in ClinVar's aggregate classification.

Clinical Genetics Laboratory, Department of Pathology, Netherlands Cancer Institute
Classification: Benign. Review status: no assertion criteria provided. Collection method: clinical testing. Allele origin: germline. Affected: yes. Study: VKGL Data-share Consensus. Not counted in ClinVar's aggregate classification.

Genome Diagnostics Laboratory, Amsterdam University Medical Center
Classification: Benign. Review status: no assertion criteria provided. Collection method: clinical testing. Allele origin: germline. Affected: yes. Study: VKGL Data-share Consensus. Not counted in ClinVar's aggregate classification.

Genome Diagnostics Laboratory, University Medical Center Utrecht
Classification: Likely benign. Review status: no assertion criteria provided. Collection method: clinical testing. Allele origin: germline. Affected: yes. Study: VKGL Data-share Consensus. Not counted in ClinVar's aggregate classification.

Literature cited by the submitters: PubMed 30461124 (cited by Mayo Clinic Laboratories, Mayo Clinic).

NM_002354.3(EPCAM):c.492-5T>C

Gene: EPCAM (epithelial cell adhesion molecule; plus strand). Cytogenetic location: 2p21.
Variant type: single nucleotide variant.
Coding change: c.492-5T>C on transcript NM_002354.3 (MANE Select); 5 bases into the intron before coding-DNA position 492, T replaced by C.
Molecular consequence: intron variant.
Genome position (GRCh38, 1-based): chr2:47,377,009, T>C. VCF-style: chr2-47377009-T-C. GRCh37 (hg19) VCF-style: chr2-47604148-T-C.
Other names: p.?.
Identifiers: ClinVar variation 132761 (VCV000132761.22), dbSNP rs78608315, ClinGen allele CA186170.